The following is an entry in ClinVar:

ClinVar aggregate classification (germline): Uncertain significance (1 of 4 stars; one submission).

Conditions:
Pyogenic arthritis-pyoderma gangrenosum-acne syndrome (PAPA). Also called: FAMILIAL RECURRENT ARTHRITIS; PAPA SYNDROME. Identifiers: Orphanet 69126, MedGen C1858361, MONDO:0011462, OMIM 604416.

Submission:

Labcorp Genetics (formerly Invitae), Labcorp
Classification: Uncertain significance for Pyogenic arthritis-pyoderma gangrenosum-acne syndrome. Last evaluated: 2024-02-05. Review status: criteria provided, single submitter. Criteria: Invitae Variant Classification Sherloc (09022015). Collection method: clinical testing. Allele origin: germline.
Comment: This sequence change replaces phenylalanine, which is neutral and non-polar, with serine, which is neutral and polar, at codon 11 of the PSTPIP1 protein (p.Phe11Ser). This variant is not present in population databases (gnomAD no frequency). This variant has not been reported in the literature in individuals affected with PSTPIP1-related conditions. An algorithm developed to predict the effect of missense changes on protein structure and function (PolyPhen-2) suggests that this variant is likely to be disruptive. In summary, the available evidence is currently insufficient to determine the role of this variant in disease. Therefore, it has been classified as a Variant of Uncertain Significance.

NM_003978.5(PSTPIP1):c.32T>C (p.Phe11Ser)

Gene: PSTPIP1 (proline-serine-threonine phosphatase interacting protein 1; plus strand). Cytogenetic location: 15q24.3.
Variant type: single nucleotide variant.
Coding change: c.32T>C on transcript NM_003978.5 (MANE Select); coding-DNA position 32, T replaced by C.
Protein change: p.Phe11Ser; replaces phenylalanine 11 with serine.
Molecular consequence: missense variant. On other transcripts: 5 prime UTR variant (1), non-coding transcript variant (1).
Genome position (GRCh38, 1-based): chr15:76,995,605, T>C. VCF-style: chr15-76995605-T-C. GRCh37 (hg19) VCF-style: chr15-77287946-T-C.
Other names: c.32T>C, p.Phe11Ser (NM_001321135.2, NM_001411086.1); c.-215T>C (NM_001321136.2); c.227T>C, p.Phe76Ser (NM_001321137.1); short protein forms F11S, F76S.
Identifiers: ClinVar variation 2839192 (VCV002839192.3), dbSNP rs762264110, ClinGen allele CA393516196.